The following is an entry in ClinVar:

ClinVar aggregate classification (germline): Uncertain significance (1 of 4 stars; one submission).

Submission:

GeneDx
Classification: Uncertain significance. Last evaluated: 2025-04-25. Review status: criteria provided, single submitter. Criteria: GeneDx Variant Classification Process June 2021. Collection method: clinical testing. Allele origin: germline. Affected: yes.
Comment: Not observed at significant frequency in large population cohorts (gnomAD); In silico analysis supports a deleterious effect on protein structure/function; Has not been previously published as pathogenic or benign to our knowledge

NM_198407.2(GHSR):c.475_477delinsGGA (p.Arg159Gly)

Gene: GHSR (growth hormone secretagogue receptor; minus strand). Cytogenetic location: 3q26.31.
Variant type: Indel.
Coding change: c.475_477delinsGGA on transcript NM_198407.2 (MANE Select); coding-DNA positions 475 to 477, CGG replaced by GGA.
Protein change: p.Arg159Gly; replaces arginine 159 with glycine.
Molecular consequence: missense variant.
Genome position (GRCh38, 1-based): chr3:172,447,937-172,447,939, CCG replaced by TCC on the plus strand (CGG replaced by GGA on the coding strand, the reverse complement: GHSR is on the minus strand). VCF-style: chr3-172447937-CCG-TCC. GRCh37 (hg19) VCF-style: chr3-172165727-CCG-TCC.
Other names: c.475_477delinsGGA, p.Arg159Gly (NM_004122.2); short protein forms R159G.
Identifiers: ClinVar variation 4527676 (VCV004527676.1).
Genomic context (GRCh38, chr3:172,447,937, plus strand): 5'-GAAGATGGGCCCGGCGCTGCAGAAGGCCACGGCCCAGATGACGAAGATGACCAGCTTCAC[CCG>TCC]CCCCTTGGTGACCACCACCTTGGCCCGGAGTGGGAAGCAGATGGCGAAGTAGCGCTCGAC-3'
Protein context (NP_940799.1, residues 149-169): LRAKVVVTKG[Arg159Gly]VKLVIFVIWA